The following is an entry in ClinVar:

ClinVar aggregate classification (germline): Likely pathogenic (1 of 4 stars; one submission).

Conditions:
Severe X-linked myotubular myopathy (CNMX). Also called: X-linked centronuclear myopathy; MYOTUBULAR MYOPATHY 1; Myotubular myopathy, X-linked. Identifiers: Orphanet 596, MedGen C0410203, MONDO:0010683, OMIM 310400.

Submission:

MGZ Medical Genetics Center
Classification: Likely pathogenic for Severe X-linked myotubular myopathy. Last evaluated: 2022-06-28. Review status: criteria provided, single submitter. Criteria: ACMG Guidelines, 2015. Collection method: clinical testing. Allele origin: germline. Affected: yes. Observed: 1 variant allele.
Comment: ACMG criteria applied: PVS1, PM2_SUP

NM_000252.3(MTM1):c.679-2A>C

Gene: MTM1 (myotubularin 1; plus strand). Cytogenetic location: Xq28.
Variant type: single nucleotide variant.
Coding change: c.679-2A>C on transcript NM_000252.3 (MANE Select); the canonical splice acceptor site of the intron before coding-DNA position 679, A replaced by C.
Molecular consequence: splice acceptor variant.
Genome position (GRCh38, 1-based): chrX:150,645,681, A>C. VCF-style: chrX-150645681-A-C. GRCh37 (hg19) VCF-style: chrX-149814154-A-C.
Other names: c.679-2A>C (NM_001376908.1, NM_001376906.1); c.568-2A>C (NM_001376907.1).
Identifiers: ClinVar variation 1709610 (VCV001709610.2), dbSNP rs2522380867, ClinGen allele CA415256280.
Genomic context (GRCh38, chrX:150,645,681, plus strand): 5'-TTTTAATTGTTTGCTTGGAGATTTGCTTTCTTGATAGCTTAAACTTTCTGACTTAACCAT[A>C]GGTGCTGTCATGGATTCATCCAGAAAATAAGACGGTCATTGTGCGTTGCAGTCAGCCTCT-3'